The following is an entry in ClinVar:

ClinVar aggregate classification (germline): Uncertain significance (1 of 4 stars; one submission).

Submission:

Labcorp Genetics (formerly Invitae), Labcorp
Classification: Uncertain significance. Last evaluated: 2022-02-25. Review status: criteria provided, single submitter. Criteria: Invitae Variant Classification Sherloc (09022015). Collection method: clinical testing. Allele origin: germline.
Comment: This variant is not present in population databases (gnomAD no frequency). This variant has not been reported in the literature in individuals affected with NOG-related conditions. Algorithms developed to predict the effect of missense changes on protein structure and function are either unavailable or do not agree on the potential impact of this missense change (SIFT: "Deleterious"; PolyPhen-2: "Benign"; Align-GVGD: "Class C25"). In summary, the available evidence is currently insufficient to determine the role of this variant in disease. Therefore, it has been classified as a Variant of Uncertain Significance. This sequence change replaces glutamine, which is neutral and polar, with glutamic acid, which is acidic and polar, at codon 208 of the NOG protein (p.Gln208Glu).

NM_005450.6(NOG):c.622C>G (p.Gln208Glu)

Gene: NOG (noggin; plus strand). Cytogenetic location: 17q22.
Variant type: single nucleotide variant.
Coding change: c.622C>G on transcript NM_005450.6 (MANE Select); coding-DNA position 622, C replaced by G.
Protein change: p.Gln208Glu; replaces glutamine 208 with glutamic acid.
Molecular consequence: missense variant.
Genome position (GRCh38, 1-based): chr17:56,594,845, C>G. VCF-style: chr17-56594845-C-G. GRCh37 (hg19) VCF-style: chr17-54672206-C-G.
Other names: short protein forms Q208E.
Identifiers: ClinVar variation 2103503 (VCV002103503.4), dbSNP rs2545137925, ClinGen allele CA399966729.